The following is an entry in ClinVar:

NM_033305.3(VPS13A):c.3028C>G (p.Leu1010Val)

Gene: VPS13A (vacuolar protein sorting 13 homolog A; plus strand). Cytogenetic location: 9q21.2.
Variant type: single nucleotide variant.
Coding change: c.3028C>G on transcript NM_033305.3 (MANE Select); coding-DNA position 3028, C replaced by G.
Protein change: p.Leu1010Val; replaces leucine 1010 with valine.
Molecular consequence: missense variant.
Genome position (GRCh38, 1-based): chr9:77,282,184, C>G. VCF-style: chr9-77282184-C-G. GRCh37 (hg19) VCF-style: chr9-79897100-C-G.
Other names: c.3028C>G, p.Leu1010Val (NM_001018037.2, NM_001018038.3, NM_015186.4); short protein forms L1010V.
Identifiers: ClinVar variation 2084556 (VCV002084556.4), dbSNP rs1337056764, ClinGen allele CA373846428.

ClinVar aggregate classification (germline): Uncertain significance (1 of 4 stars; one submission).

gnomAD v4.1: 4 of 1,613,174 alleles (0.00025%); highest among the groups gnomAD compares: Non-Finnish European, 0.00034%; no homozygotes.

Submission:

Labcorp Genetics (formerly Invitae), Labcorp
Classification: Uncertain significance. Last evaluated: 2022-08-04. Review status: criteria provided, single submitter. Criteria: Invitae Variant Classification Sherloc (09022015). Collection method: clinical testing. Allele origin: germline.
Comment: This sequence change replaces leucine, which is neutral and non-polar, with valine, which is neutral and non-polar, at codon 1010 of the VPS13A protein (p.Leu1010Val). In summary, the available evidence is currently insufficient to determine the role of this variant in disease. Therefore, it has been classified as a Variant of Uncertain Significance. Algorithms developed to predict the effect of missense changes on protein structure and function (SIFT, PolyPhen-2, Align-GVGD) all suggest that this variant is likely to be tolerated. This variant has not been reported in the literature in individuals affected with VPS13A-related conditions. This variant is present in population databases (no rsID available, gnomAD 0.0009%).